The following is an entry in ClinVar:

ClinVar aggregate classification (germline): Conflicting classifications of pathogenicity. Review status: criteria provided, conflicting classifications (1 of 4 stars). 2 submissions from 2 submitters: Uncertain significance (1); Likely benign (1). Last evaluated 2024-04-15.

Allele frequency attached by ClinVar (database versions not stated): ExAC 0.00011; gnomAD 0.00019; TOPMed 0.00019; gnomAD exomes 0.00031.
gnomAD v4.1: 463 of 1,590,868 alleles (0.029%); highest among the groups gnomAD compares: Non-Finnish European, 0.037%; no homozygotes.

Submissions (2):

Labcorp Genetics (formerly Invitae), Labcorp
Classification: Uncertain significance. Last evaluated: 2024-04-15. Review status: criteria provided, single submitter. Criteria: Invitae Variant Classification Sherloc (09022015). Collection method: clinical testing. Allele origin: germline.
Comment: This sequence change replaces glutamic acid, which is acidic and polar, with lysine, which is basic and polar, at codon 1029 of the ADCY10 protein (p.Glu1029Lys). This variant is present in population databases (rs199931688, gnomAD 0.03%). This variant has not been reported in the literature in individuals affected with ADCY10-related conditions. ClinVar contains an entry for this variant (Variation ID: 2344458). Algorithms developed to predict the effect of missense changes on protein structure and function output the following: SIFT: "Not Available"; PolyPhen-2: "Benign"; Align-GVGD: "Not Available". The lysine amino acid residue is found in multiple mammalian species, which suggests that this missense change does not adversely affect protein function. Algorithms developed to predict the effect of sequence changes on RNA splicing suggest that this variant may disrupt the consensus splice site. In summary, the available evidence is currently insufficient to determine the role of this variant in disease. Therefore, it has been classified as a Variant of Uncertain Significance.

Ambry Genetics
Classification: Likely benign. Last evaluated: 2021-11-22. Review status: criteria provided, single submitter. Criteria: Ambry Variant Classification Scheme 2023. Collection method: clinical testing. Allele origin: germline.

NM_018417.6(ADCY10):c.3085G>A (p.Glu1029Lys)

Gene: ADCY10 (adenylate cyclase 10; minus strand). Cytogenetic location: 1q24.2.
Variant type: single nucleotide variant.
Coding change: c.3085G>A on transcript NM_018417.6 (MANE Select); coding-DNA position 3085, G replaced by A.
Protein change: p.Glu1029Lys; replaces glutamic acid 1029 with lysine.
Molecular consequence: missense variant.
Genome position (GRCh38, 1-based): chr1:167,836,533, C>T on the plus strand (G>A on the coding strand, the complement: ADCY10 is on the minus strand). VCF-style: chr1-167836533-C-T. GRCh37 (hg19) VCF-style: chr1-167805771-C-T.
Other names: c.2626G>A, p.Glu876Lys (NM_001167749.3); c.2809G>A, p.Glu937Lys (NM_001297772.2); short protein forms E876K, E1029K, E937K.
Identifiers: ClinVar variation 2344458 (VCV002344458.5), dbSNP rs199931688, ClinGen allele CA1227441.
Genomic context (GRCh38, chr1:167,836,533, plus strand): 5'-CAGATGTCTTCATTTTTGTTAAAACGTGGTCAAAGAAATTCAAGATCTTTTCTCTTATTT[C>T]TTCAGGACTGTCCATATGCAGAAATAAATAATAGTAACTTATACAGTATCACTTTTGATA-3'
Protein context (NP_060887.2, residues 1019-1039): AFFPENRSPE[Glu1029Lys]IREKILNFFD